The following is an entry in ClinVar:

ClinVar aggregate classification (germline): Pathogenic (1 of 4 stars; one submission).

Conditions:
Baller-Gerold syndrome (BGS). Also called: CRANIOSYNOSTOSIS WITH RADIAL DEFECTS. Identifiers: Orphanet 1225, MedGen C0265308, MONDO:0009039, OMIM 218600.

Allele frequency attached by ClinVar (database versions not stated): gnomAD exomes below 0.00001; TOPMed 0.00002.

Submission:

Labcorp Genetics (formerly Invitae), Labcorp
Classification: Pathogenic for Baller-Gerold syndrome. Last evaluated: 2023-08-06. Review status: criteria provided, single submitter. Criteria: Invitae Variant Classification Sherloc (09022015). Collection method: clinical testing. Allele origin: germline.
Comment: This sequence change creates a premature translational stop signal (p.Arg193*) in the RECQL4 gene. It is expected to result in an absent or disrupted protein product. Loss-of-function variants in RECQL4 are known to be pathogenic (PMID: 12734318, 12952869). The frequency data for this variant in the population databases is considered unreliable, as metrics indicate poor data quality at this position in the gnomAD database. This variant has not been reported in the literature in individuals affected with RECQL4-related conditions. ClinVar contains an entry for this variant (Variation ID: 1458874). Algorithms developed to predict the effect of sequence changes on RNA splicing suggest that this variant may disrupt the consensus splice site. For these reasons, this variant has been classified as Pathogenic.

Literature cited by the submitters: PubMed 12734318; PubMed 12952869.

NM_004260.4(RECQL4):c.577C>T (p.Arg193Ter)

Gene: RECQL4 (RecQ like helicase 4; minus strand). Cytogenetic location: 8q24.3.
Variant type: single nucleotide variant.
Coding change: c.577C>T on transcript NM_004260.4 (MANE Select); coding-DNA position 577, C replaced by T.
Protein change: p.Arg193Ter; replaces arginine 193 with a stop codon.
Molecular consequence: nonsense.
Genome position (GRCh38, 1-based): chr8:144,516,542, G>A on the plus strand (C>T on the coding strand, the complement: RECQL4 is on the minus strand). VCF-style: chr8-144516542-G-A. GRCh37 (hg19) VCF-style: chr8-145741926-G-A.
Other names: short protein forms R193*.
Identifiers: ClinVar variation 1458874 (VCV001458874.6), dbSNP rs754986197, ClinGen allele CA187689794.